The following is an entry in ClinVar:

NM_000264.5(PTCH1):c.842T>C (p.Met281Thr)

Gene: PTCH1 (patched 1; minus strand). Cytogenetic location: 9q22.32.
Variant type: single nucleotide variant.
Coding change: c.842T>C on transcript NM_000264.5 (MANE Select); coding-DNA position 842, T replaced by C.
Protein change: p.Met281Thr; replaces methionine 281 with threonine.
Molecular consequence: missense variant. On other transcripts: non-coding transcript variant (1).
Genome position (GRCh38, 1-based): chr9:95,480,493, A>G on the plus strand (T>C on the coding strand, the complement: PTCH1 is on the minus strand). VCF-style: chr9-95480493-A-G. GRCh37 (hg19) VCF-style: chr9-98242775-A-G.
Other names: c.644T>C, p.Met215Thr (NM_001083602.3); c.839T>C, p.Met280Thr (NM_001083603.3); c.389T>C, p.Met130Thr (NM_001083604.3, NM_001083605.3, NM_001083606.3 and 1 more transcripts); c.842T>C, p.Met281Thr (NM_001354918.2); short protein forms M215T, M281T, M130T, M280T.
Identifiers: ClinVar variation 560251 (VCV000560251.16), dbSNP rs1564055682, ClinGen allele CA374114074.

ClinVar aggregate classification (germline): Uncertain significance. Review status: criteria provided, multiple submitters, no conflicts (2 of 4 stars). 3 submissions from 3 submitters: Uncertain significance (3). Last evaluated 2025-09-22.

Conditions:
Gorlin syndrome. Also called: Nevoid Basal Cell Carcinoma Syndrome; Basal cell nevus syndrome. Identifiers: Orphanet 377, MedGen C0004779, MONDO:0007187.
Holoprosencephaly 7 (HPE7). Identifiers: Orphanet 2162, MedGen C1835820, MONDO:0012562, OMIM 610828.
Hereditary cancer-predisposing syndrome. Also called: Neoplastic Syndromes, Hereditary; Tumor predisposition; Hereditary Cancer Syndrome; Hereditary neoplastic syndrome. Identifiers: Orphanet 140162, MedGen C0027672, MeSH D009386, MONDO:0015356.

Allele frequency attached by ClinVar (database versions not stated): gnomAD exomes below 0.00001.
gnomAD v4.1: 3 of 1,612,600 alleles (0.00019%); highest among the groups gnomAD compares: African/African-American, 0.0027%; no homozygotes.

Submissions (3):

Labcorp Genetics (formerly Invitae), Labcorp
Classification: Uncertain significance for Gorlin syndrome. Last evaluated: 2025-09-22. Review status: criteria provided, single submitter. Criteria: Invitae Variant Classification Sherloc (09022015). Collection method: clinical testing. Allele origin: germline.
Comment: This sequence change replaces methionine, which is neutral and non-polar, with threonine, which is neutral and polar, at codon 281 of the PTCH1 protein (p.Met281Thr). This variant is not present in population databases (gnomAD no frequency). This variant has not been reported in the literature in individuals affected with PTCH1-related conditions. ClinVar contains an entry for this variant (Variation ID: 560251). Invitae Evidence Modeling of protein sequence and biophysical properties (such as structural, functional, and spatial information, amino acid conservation, physicochemical variation, residue mobility, and thermodynamic stability) has been performed for this missense variant. However, the output from this modeling did not meet the statistical confidence thresholds required to predict the impact of this variant on PTCH1 protein function. In summary, the available evidence is currently insufficient to determine the role of this variant in disease. Therefore, it has been classified as a Variant of Uncertain Significance.

Ambry Genetics
Classification: Uncertain significance for Hereditary cancer-predisposing syndrome. Last evaluated: 2024-11-20. Review status: criteria provided, single submitter. Criteria: Ambry Variant Classification Scheme 2023. Collection method: clinical testing. Allele origin: germline.
Comment: The p.M281T variant (also known as c.842T>C), located in coding exon 6 of the PTCH1 gene, results from a T to C substitution at nucleotide position 842. The methionine at codon 281 is replaced by threonine, an amino acid with similar properties. This variant has been detected in multiple individuals with no reported features of PTCH1-related nevoid basal cell carcinoma syndrome (Ambry internal data). This amino acid position is highly conserved in available vertebrate species. In addition, this alteration is predicted to be deleterious by in silico analysis. Based on the available evidence, the clinical significance of this variant remains unclear.

Geisinger Autism and Developmental Medicine Institute, Geisinger Health System
Classification: Uncertain significance for Basal cell nevus syndrome 1; Holoprosencephaly 7. Last evaluated: 2018-03-01. Review status: criteria provided, single submitter. Criteria: ACMG Guidelines, 2015. Collection method: provider interpretation, clinical testing. Allele origin: de novo. Observed: 1 variant allele.
Comment: The variant is absent from the gnomAD database, and it was found to be de novo (with maternity and paternity confirmed). Computational prediction models are inconsistent.